The following is an entry in ClinVar:

NM_000035.4(ALDOB):c.949_950insCAGGGCCCGTGCACTGGCTGCCTGGGGTGGCA (p.Lys317fs)

Gene: ALDOB (aldolase, fructose-bisphosphate B; minus strand). Cytogenetic location: 9q31.1.
Variant type: Insertion.
Coding change: c.949_950insCAGGGCCCGTGCACTGGCTGCCTGGGGTGGCA on transcript NM_000035.4 (MANE Select); coding-DNA positions 949 to 950, CAGGGCCCGTGCACTGGCTGCCTGGGGTGGCA inserted.
Protein change: p.Lys317fs; shifts the reading frame from lysine 317.
Molecular consequence: frameshift variant.
Genome position: GRCh38: chr9:101,424,916-101,424,917. GRCh37 (hg19): chr9:104,187,198-104,187,199.
Other names: c.949_950insCAGGGCCCGTGCACTGGCTGCCTGGGGTGGCA (NM_000035.3); short protein forms K317fs.
Identifiers: ClinVar variation 1066407 (VCV001066407.9), ClinGen allele CA2499219513.
Genomic context (GRCh38, chr9:101,424,892, plus strand): 5'-CAGCATCTTACCATGGCCCGCTTCATAAAAGCCTCCTGGGTTGCCTCCTTGTTTGCAGCC[T>TTGCCACCCCAGGCAGCCAGTGCACGGGCCCTG]TGCCACCCCAGGCAGCCAGTGCACTGGCCTGCAGGGCCCGTCCATAAGAGAAACTTAGTT-3'

ClinVar aggregate classification (germline): Pathogenic/Likely pathogenic. Review status: criteria provided, multiple submitters, no conflicts (2 of 4 stars). 3 submissions from 3 submitters: Pathogenic (1); Likely pathogenic (2). Last evaluated 2024-11-24.

Conditions:
Hereditary fructosuria. Also called: ALDOB DEFICIENCY; ALDOLASE B DEFICIENCY; FRUCTOSE-1,6-BISPHOSPHATE ALDOLASE B DEFICIENCY; FRUCTOSE-1-PHOSPHATE ALDOLASE DEFICIENCY; FRUCTOSEMIA; Fructose intolerance. Identifiers: Orphanet 469, MedGen C0016751, MONDO:0009249, OMIM 229600, HP:0005973. Disease mechanism: loss of function.

Submissions (3):

Natera, Inc.
Classification: Likely pathogenic for Fructose intolerance. Last evaluated: 2024-11-24. Review status: criteria provided, single submitter. Criteria: Natera Variant Classification Schema (03/2026). Collection method: clinical testing. Allele origin: germline.
Comment: The c.949_950insCAGGGCCCGTGCACTGGCTGCCTGGGGTGGCA variant in ALDOB is a frameshift variant predicted to shift the reading frame beginning at codon 317 and leads to a stop codon 24 codons downstream. This variant is expected to result in nonsense mediated decay, truncation, or a dysfunctional protein product. This variant is rare in the general population with a frequency below the threshold expected for the associated phenotype(s). Given the available evidence, this variant is classified as Likely Pathogenic.

Fulgent Genetics
Classification: Likely pathogenic for Hereditary fructosuria. Last evaluated: 2024-04-02. Review status: criteria provided, single submitter. Criteria: ACMG Guidelines, 2015. Collection method: clinical testing. Allele origin: germline.

Labcorp Genetics (formerly Invitae), Labcorp
Classification: Pathogenic for Hereditary fructosuria. Last evaluated: 2023-01-26. Review status: criteria provided, single submitter. Criteria: Invitae Variant Classification Sherloc (09022015). Collection method: clinical testing. Allele origin: germline.
Comment: For these reasons, this variant has been classified as Pathogenic. This variant disrupts a region of the ALDOB protein in which other variant(s) (p.Ala338) have been determined to be pathogenic (PMID: 9610797, 18541450, 25595217). This suggests that this is a clinically significant region of the protein, and that variants that disrupt it are likely to be disease-causing. Algorithms developed to predict the effect of sequence changes on RNA splicing suggest that this variant may disrupt the consensus splice site. ClinVar contains an entry for this variant (Variation ID: 1066407). This variant has not been reported in the literature in individuals affected with ALDOB-related conditions. This variant is not present in population databases (gnomAD no frequency). This sequence change creates a premature translational stop signal (p.Lys317Thrfs*24) in the ALDOB gene. While this is not anticipated to result in nonsense mediated decay, it is expected to disrupt the last 48 amino acid(s) of the ALDOB protein.

Literature cited by the submitters: PubMed 9610797 (cited by Labcorp Genetics (formerly Invitae), Labcorp); PubMed 18541450 (cited by Labcorp Genetics (formerly Invitae), Labcorp); PubMed 25595217 (cited by Labcorp Genetics (formerly Invitae), Labcorp).